The following is an entry in ClinVar:

ClinVar aggregate classification (germline): Uncertain significance (1 of 4 stars; one submission).

Conditions:
Hereditary cancer-predisposing syndrome. Also called: Neoplastic Syndromes, Hereditary; Hereditary Cancer Syndrome; Tumor predisposition; Hereditary neoplastic syndrome. Identifiers: Orphanet 140162, MedGen C0027672, MeSH D009386, MONDO:0015356.

Submission:

Ambry Genetics
Classification: Uncertain significance for Hereditary cancer-predisposing syndrome. Last evaluated: 2025-03-07. Review status: criteria provided, single submitter. Criteria: Ambry Variant Classification Scheme 2023. Collection method: clinical testing. Allele origin: germline.
Comment: The p.F743L variant (also known as c.2229C>A), located in coding exon 14 of the PTCH1 gene, results from a C to A substitution at nucleotide position 2229. The phenylalanine at codon 743 is replaced by leucine, an amino acid with highly similar properties. This amino acid position is conserved. In addition, the in silico prediction for this alteration is inconclusive. Based on the available evidence, the clinical significance of this variant remains unclear.

NM_000264.5(PTCH1):c.2229C>A (p.Phe743Leu)

Genes: PTCH1 (patched 1; minus strand), LOC100507346 (uncharacterized LOC100507346; plus strand). Cytogenetic location: 9q22.32.
Variant type: single nucleotide variant.
Coding change: c.2229C>A on transcript NM_000264.5 (MANE Select); coding-DNA position 2229, C replaced by A.
Protein change: p.Phe743Leu; replaces phenylalanine 743 with leucine.
Molecular consequence: missense variant. On other transcripts: non-coding transcript variant (2).
Genome position (GRCh38, 1-based): chr9:95,468,772, G>T on the plus strand (C>A on the coding strand, the complement: PTCH1 is on the minus strand). VCF-style: chr9-95468772-G-T. GRCh37 (hg19) VCF-style: chr9-98231054-G-T.
Other names: c.2031C>A, p.Phe677Leu (NM_001083602.3); c.2226C>A, p.Phe742Leu (NM_001083603.3); c.1776C>A, p.Phe592Leu (NM_001083604.3, NM_001083605.3, NM_001083606.3 and 1 more transcripts); c.2073C>A, p.Phe691Leu (NM_001354918.2); short protein forms F677L, F742L, F592L, F743L, F691L.
Identifiers: ClinVar variation 3784683 (VCV003784683.1).